The following is an entry in ClinVar:

NM_001364905.1(LRBA):c.5273C>T (p.Ala1758Val)

Gene: LRBA (LPS responsive beige-like anchor protein; minus strand). Cytogenetic location: 4q31.3.
Variant type: single nucleotide variant.
Coding change: c.5273C>T on transcript NM_001364905.1 (MANE Select); coding-DNA position 5273, C replaced by T.
Protein change: p.Ala1758Val; replaces alanine 1758 with valine.
Molecular consequence: missense variant.
Genome position (GRCh38, 1-based): chr4:150,817,156, G>A on the plus strand (C>T on the coding strand, the complement: LRBA is on the minus strand). VCF-style: chr4-150817156-G-A. GRCh37 (hg19) VCF-style: chr4-151738308-G-A.
Other names: c.5273C>T, p.Ala1758Val (NM_001199282.3, NM_001367550.1, NM_006726.5); short protein forms A1758V.
Identifiers: ClinVar variation 1021918 (VCV001021918.6), dbSNP rs1443158958, ClinGen allele CA358610248.

ClinVar aggregate classification (germline): Uncertain significance (1 of 4 stars; one submission).

Conditions:
Combined immunodeficiency due to LRBA deficiency. Also called: Common variable immunodeficiency 8, with autoimmunity. Identifiers: Orphanet 445018, MedGen C3553512, MONDO:0013863, OMIM 614700.

Allele frequency attached by ClinVar (database versions not stated): gnomAD exomes below 0.00001 and 0.00002; TOPMed 0.00005; gnomAD 0.00009 and 0.00010.
gnomAD v4.1: 20 of 1,611,852 alleles (0.0012%); highest among the groups gnomAD compares: Admixed American, 0.03%; 1 homozygote.

Submission:

Labcorp Genetics (formerly Invitae), Labcorp
Classification: Uncertain significance for Combined immunodeficiency due to LRBA deficiency. Last evaluated: 2024-11-05. Review status: criteria provided, single submitter. Criteria: Invitae Variant Classification Sherloc (09022015). Collection method: clinical testing. Allele origin: germline.
Comment: This sequence change replaces alanine, which is neutral and non-polar, with valine, which is neutral and non-polar, at codon 1758 of the LRBA protein (p.Ala1758Val). This variant is present in population databases (no rsID available, gnomAD 0.01%). This variant has not been reported in the literature in individuals affected with LRBA-related conditions. ClinVar contains an entry for this variant (Variation ID: 1021918). Invitae Evidence Modeling of protein sequence and biophysical properties (such as structural, functional, and spatial information, amino acid conservation, physicochemical variation, residue mobility, and thermodynamic stability) indicates that this missense variant is not expected to disrupt LRBA protein function with a negative predictive value of 80%. In summary, the available evidence is currently insufficient to determine the role of this variant in disease. Therefore, it has been classified as a Variant of Uncertain Significance.